The following is an entry in ClinVar:

ClinVar aggregate classification (germline): Uncertain significance (1 of 4 stars; one submission).

Conditions:
Muscular dystrophy, congenital, with cataracts and impaired intellectual development. Also called: Congenital muscular dystrophy with cataracts and intellectual disability. Identifiers: Orphanet 662184, MedGen C4479410, MONDO:0024607, OMIM 617404.

Submission:

3billion
Classification: Uncertain significance for Muscular dystrophy, congenital, with cataracts and impaired intellectual development. Last evaluated: 2022-01-03. Review status: criteria provided, single submitter. Criteria: ACMG Guidelines, 2015. Collection method: clinical testing. Allele origin: germline. Affected: yes. Observed: 1 heterozygote.
Comment: The variant is not observed in the gnomAD v2.1.1 dataset (PM2_M). In silico tool predictions suggest damaging effect of the variant on gene or gene product (REVEL: 0.915, 3CNET: 0.927, PP3_P). Therefore, this variant is classified as uncertain significance according to the recommendation of ACMG/AMP guideline.

NM_016532.4(INPP5K):c.793C>T (p.Pro265Ser)

Gene: INPP5K (inositol polyphosphate-5-phosphatase K; minus strand). Cytogenetic location: 17p13.3.
Variant type: single nucleotide variant.
Coding change: c.793C>T on transcript NM_016532.4 (MANE Select); coding-DNA position 793, C replaced by T.
Protein change: p.Pro265Ser; replaces proline 265 with serine.
Molecular consequence: missense variant.
Genome position (GRCh38, 1-based): chr17:1,498,106, G>A on the plus strand (C>T on the coding strand, the complement: INPP5K is on the minus strand). VCF-style: chr17-1498106-G-A. GRCh37 (hg19) VCF-style: chr17-1401400-G-A.
Other names: c.565C>T, p.Pro189Ser (NM_001135642.2, NM_130766.3); short protein forms P189S, P265S.
Identifiers: ClinVar variation 1333525 (VCV001333525.1), dbSNP rs2150978746, ClinGen allele CA397538922.
Genomic context (GRCh38, chr17:1,498,106, plus strand): 5'-TGTCGGGGCCAGCACAGGGCTGCCGCTTCAGCCTCCACAGGATGCGATCGGTCCATGCAG[G>A]CTTGCGTTTTTTCTCACTGCAGGGGCAGGGGGCATAAAGAGGAAGAATGGGGAAAGAAGA-3'
Protein context (NP_057616.2, residues 255-275): DYDTSEKKRK[Pro265Ser]AWTDRILWRL